The following is an entry in ClinVar:

ClinVar aggregate classification (germline): Uncertain significance. Review status: criteria provided, multiple submitters, no conflicts (2 of 4 stars). 2 submissions from 2 submitters: Uncertain significance (2). Last evaluated 2025-06-10.

Conditions:
Inborn genetic diseases. Identifiers: MedGen C0950123, MeSH D030342.
Immunodeficiency 104. Also called: IMMUNODEFICIENCY 104, SEVERE COMBINED; Severe Combined Immune Deficiency, Autosomal Recessive, TCell -Negative, B Cell-Positive, NK Cell-Positive, IL7R-Related; Severe combined immunodeficiency, autosomal recessive, T cell-negative, B cell-positive, NK cell-positive; SCID, AUTOSOMAL RECESSIVE, T CELL-NEGATIVE, B CELL-POSITIVE, NK CELL-POSITIVE. Identifiers: MedGen C5676890, MONDO:0012163, OMIM 608971.

Allele frequency attached by ClinVar (database versions not stated): gnomAD 0.00001; gnomAD exomes 0.00001 and 0.00002; ExAC 0.00002.
gnomAD v4.1: 30 of 1,613,108 alleles (0.0019%); highest among the groups gnomAD compares: Non-Finnish European, 0.0025%; no homozygotes.

Submissions (2):

Ambry Genetics
Classification: Uncertain significance for Inborn genetic diseases. Last evaluated: 2025-06-10. Review status: criteria provided, single submitter. Criteria: Ambry Variant Classification Scheme 2023. Collection method: clinical testing. Allele origin: germline.

Labcorp Genetics (formerly Invitae), Labcorp
Classification: Uncertain significance for Immunodeficiency 104. Last evaluated: 2022-09-15. Review status: criteria provided, single submitter. Criteria: Invitae Variant Classification Sherloc (09022015). Collection method: clinical testing. Allele origin: germline.
Comment: This sequence change replaces lysine, which is basic and polar, with glutamine, which is neutral and polar, at codon 1238 of the PTPRC protein (p.Lys1238Gln). This variant is present in population databases (rs749440246, gnomAD 0.003%). This variant has not been reported in the literature in individuals affected with PTPRC-related conditions. ClinVar contains an entry for this variant (Variation ID: 1513063). Algorithms developed to predict the effect of missense changes on protein structure and function are either unavailable or do not agree on the potential impact of this missense change (SIFT: "Deleterious"; PolyPhen-2: "Possibly Damaging"; Align-GVGD: "Class C0"). In summary, the available evidence is currently insufficient to determine the role of this variant in disease. Therefore, it has been classified as a Variant of Uncertain Significance.

NM_002838.5(PTPRC):c.3712A>C (p.Lys1238Gln)

Gene: PTPRC (protein tyrosine phosphatase receptor type C; plus strand). Cytogenetic location: 1q32.1.
Variant type: single nucleotide variant.
Coding change: c.3712A>C on transcript NM_002838.5 (MANE Select); coding-DNA position 3712, A replaced by C.
Protein change: p.Lys1238Gln; replaces lysine 1238 with glutamine.
Molecular consequence: missense variant.
Genome position (GRCh38, 1-based): chr1:198,755,972, A>C. VCF-style: chr1-198755972-A-C. GRCh37 (hg19) VCF-style: chr1-198725101-A-C.
Other names: c.3229A>C, p.Lys1077Gln (NM_080921.4); c.3706A>C (NM_002838.3); short protein forms K1238Q, K1077Q.
Identifiers: ClinVar variation 1513063 (VCV001513063.4), dbSNP rs749440246, ClinGen allele CA1315544.